The following is an entry in ClinVar:

ClinVar aggregate classification (germline): Uncertain significance. Review status: criteria provided, multiple submitters, no conflicts (2 of 4 stars). 2 submissions from 2 submitters: Uncertain significance (2). Last evaluated 2023-02-01.

Conditions:
Dyskeratosis congenita, autosomal recessive 6 (DKCB6). Identifiers: MedGen C4225356, MONDO:0014600, OMIM 616353.
Pulmonary fibrosis and/or bone marrow failure, Telomere-related, 4. Also called: PULMONARY FIBROSIS AND/OR BONE MARROW FAILURE SYNDROME, TELOMERE-RELATED, 4. Identifiers: Orphanet 2032, MedGen C4225347, MONDO:0014612, OMIM 616371.

Allele frequency attached by ClinVar (database versions not stated): ExAC 0.00001.
gnomAD v4.1: 8 of 1,483,424 alleles (0.00054%); highest among the groups gnomAD compares: Non-Finnish European, 0.00047%; no homozygotes.

Submissions (2):

Blueprint Genetics
Classification: Uncertain significance. Last evaluated: 2023-02-01. Review status: criteria provided, single submitter. Criteria: ACMG Guidelines, 2015. Collection method: clinical testing. Allele origin: germline.

Labcorp Genetics (formerly Invitae), Labcorp
Classification: Uncertain significance for Dyskeratosis congenita, autosomal recessive 6; Pulmonary fibrosis and/or bone marrow failure, Telomere-related, 4. Last evaluated: 2022-09-29. Review status: criteria provided, single submitter. Criteria: Invitae Variant Classification Sherloc (09022015). Collection method: clinical testing. Allele origin: germline.
Comment: In summary, the available evidence is currently insufficient to determine the role of this variant in disease. Therefore, it has been classified as a Variant of Uncertain Significance. Variants that disrupt the consensus splice site are a relatively common cause of aberrant splicing (PMID: 17576681, 9536098). Algorithms developed to predict the effect of sequence changes on RNA splicing suggest that this variant may disrupt the consensus splice site. Algorithms developed to predict the effect of missense changes on protein structure and function (SIFT, PolyPhen-2, Align-GVGD) all suggest that this variant is likely to be disruptive. This variant has not been reported in the literature in individuals affected with PARN-related conditions. This variant is present in population databases (rs753682634, gnomAD 0.0009%). This sequence change replaces glycine, which is neutral and non-polar, with arginine, which is basic and polar, at codon 130 of the PARN protein (p.Gly130Arg). This variant also falls at the last nucleotide of exon 6, which is part of the consensus splice site for this exon.

Literature cited by the submitters: PubMed 17576681 (cited by Labcorp Genetics (formerly Invitae), Labcorp); PubMed 9536098 (cited by Labcorp Genetics (formerly Invitae), Labcorp).

NM_002582.4(PARN):c.388G>A (p.Gly130Arg)

Gene: PARN (poly(A)-specific ribonuclease; minus strand). Cytogenetic location: 16p13.12.
Variant type: single nucleotide variant.
Coding change: c.388G>A on transcript NM_002582.4 (MANE Select); coding-DNA position 388, G replaced by A.
Protein change: p.Gly130Arg; replaces glycine 130 with arginine.
Molecular consequence: missense variant.
Genome position (GRCh38, 1-based): chr16:14,617,590, C>T on the plus strand (G>A on the coding strand, the complement: PARN is on the minus strand). VCF-style: chr16-14617590-C-T. GRCh37 (hg19) VCF-style: chr16-14711447-C-T.
Other names: c.205G>A, p.Gly69Arg (NM_001134477.3); c.250G>A, p.Gly84Arg (NM_001242992.2); short protein forms G130R, G84R, G69R.
Identifiers: ClinVar variation 1963995 (VCV001963995.6), dbSNP rs753682634, ClinGen allele CA7912434.